The following is an entry in ClinVar:

ClinVar aggregate classification (germline): Uncertain significance (1 of 4 stars; one submission).

Conditions:
Developmental and epileptic encephalopathy, 37 (DEE37). Also called: Epileptic encephalopathy, early infantile, 37. Identifiers: MedGen C4310770, MONDO:0014859, OMIM 616981.

Submission:

Labcorp Genetics (formerly Invitae), Labcorp
Classification: Uncertain significance for Developmental and epileptic encephalopathy, 37. Last evaluated: 2022-02-14. Review status: criteria provided, single submitter. Criteria: Invitae Variant Classification Sherloc (09022015). Collection method: clinical testing. Allele origin: germline.
Comment: In summary, the available evidence is currently insufficient to determine the role of this variant in disease. Therefore, it has been classified as a Variant of Uncertain Significance. Algorithms developed to predict the effect of missense changes on protein structure and function are either unavailable or do not agree on the potential impact of this missense change (SIFT: "Tolerated"; PolyPhen-2: "Probably Damaging"; Align-GVGD: "Class C0"). This variant has not been reported in the literature in individuals affected with FRRS1L-related conditions. This variant is not present in population databases (gnomAD no frequency). This sequence change replaces aspartic acid, which is acidic and polar, with histidine, which is basic and polar, at codon 271 of the FRRS1L protein (p.Asp271His).

NM_014334.4(FRRS1L):c.658G>C (p.Asp220His)

Gene: FRRS1L (ferric chelate reductase 1 like; minus strand). Cytogenetic location: 9q31.3.
Variant type: single nucleotide variant.
Coding change: c.658G>C on transcript NM_014334.4 (MANE Select); coding-DNA position 658, G replaced by C.
Protein change: p.Asp220His; replaces aspartic acid 220 with histidine.
Molecular consequence: missense variant.
Genome position (GRCh38, 1-based): chr9:109,141,394, C>G on the plus strand (G>C on the coding strand, the complement: FRRS1L is on the minus strand). VCF-style: chr9-109141394-C-G. GRCh37 (hg19) VCF-style: chr9-111903674-C-G.
Other names: short protein forms D220H.
Identifiers: ClinVar variation 2097527 (VCV002097527.4), dbSNP rs2538496992, ClinGen allele CA374423888.